The following is an entry in ClinVar:

NM_002691.4(POLD1):c.1950A>C (p.Ser650=)

Gene: POLD1 (DNA polymerase delta 1, catalytic subunit; plus strand). Cytogenetic location: 19q13.33.
Variant type: single nucleotide variant.
Coding change: c.1950A>C on transcript NM_002691.4 (MANE Select); coding-DNA position 1950, A replaced by C.
Protein change: p.Ser650=; no amino-acid change (serine 650 retained).
Molecular consequence: synonymous variant. On other transcripts: non-coding transcript variant (1).
Genome position (GRCh38, 1-based): chr19:50,409,179, A>C. VCF-style: chr19-50409179-A-C. GRCh37 (hg19) VCF-style: chr19-50912436-A-C.
Other names: c.1950A>C, p.Ser650= (NM_001256849.1); c.2028A>C, p.Ser676= (NM_001308632.1); c.1950A>C (NM_002691.2).
Identifiers: ClinVar variation 384440 (VCV000384440.4), dbSNP rs1057521953, ClinGen allele CA16609022.

ClinVar aggregate classification (germline): Likely benign. Review status: criteria provided, multiple submitters, no conflicts (2 of 4 stars). 3 submissions from 3 submitters: Likely benign (3). Last evaluated 2025-10-23.

Conditions:
Hereditary cancer-predisposing syndrome. Also called: Neoplastic Syndromes, Hereditary; Hereditary neoplastic syndrome; Hereditary Cancer Syndrome; Tumor predisposition. Identifiers: Orphanet 140162, MedGen C0027672, MeSH D009386, MONDO:0015356.
POLD1-related polyposis and colorectal cancer syndrome (CRCS10). Also called: Colorectal cancer, susceptibility to, 10; Colorectal cancer 10; COLORECTAL CANCER, SUSCEPTIBILITY TO, ON CHROMOSOME 19q. Identifiers: Orphanet 220460, MedGen C2675481, MONDO:0012953, OMIM 612591.

Submissions (3):

Ambry Genetics
Classification: Likely benign for Hereditary cancer-predisposing syndrome. Last evaluated: 2025-10-23. Review status: criteria provided, single submitter. Criteria: Ambry Variant Classification Scheme 2023. Collection method: clinical testing. Allele origin: germline.

Labcorp Genetics (formerly Invitae), Labcorp
Classification: Likely benign for POLD1-related polyposis and colorectal cancer syndrome. Last evaluated: 2024-03-21. Review status: criteria provided, single submitter. Criteria: Invitae Variant Classification Sherloc (09022015). Collection method: clinical testing. Allele origin: germline.

GeneDx
Classification: Likely benign. Last evaluated: 2016-03-01. Review status: criteria provided, single submitter. Criteria: GeneDx Variant Classification (06012015). Collection method: clinical testing. Allele origin: germline. Affected: yes.
Comment: This variant is considered likely benign or benign based on one or more of the following criteria: it is a conservative change, it occurs at a poorly conserved position in the protein, it is predicted to be benign by multiple in silico algorithms, and/or has population frequency not consistent with disease.